The following is an entry in ClinVar:

NM_018368.4(LMBRD1):c.55G>T (p.Gly19Cys)

Gene: LMBRD1 (LMBR1 domain containing 1; minus strand). Cytogenetic location: 6q13.
Variant type: single nucleotide variant.
Coding change: c.55G>T on transcript NM_018368.4 (MANE Select); coding-DNA position 55, G replaced by T.
Protein change: p.Gly19Cys; replaces glycine 19 with cysteine.
Molecular consequence: missense variant.
Genome position (GRCh38, 1-based): chr6:69,796,827, C>A on the plus strand (G>T on the coding strand, the complement: LMBRD1 is on the minus strand). VCF-style: chr6-69796827-C-A. GRCh37 (hg19) VCF-style: chr6-70506719-C-A.
Other names: short protein forms G19C.
Identifiers: ClinVar variation 2082622 (VCV002082622.4), dbSNP rs1185390785, ClinGen allele CA364803829.
Genomic context (GRCh38, chr6:69,796,827, plus strand): 5'-CCTCCCCCAGTCCAAACATGGGGAAAACTCCAAGCGCCTCCCCTACCAGTAGTAAGAGGC[C>A]GAATATGCACCAGCCGATCACCAGCTCCGCCGAGGCCGCGCCAGAAGTCGCCATCTTCGC-3'
Protein context (NP_060838.3, residues 9-29): AELVIGWCIF[Gly19Cys]LLLLAILAFC

ClinVar aggregate classification (germline): Uncertain significance (1 of 4 stars; one submission).

Conditions:
Methylmalonic aciduria and homocystinuria type cblF. Also called: METHYLMALONIC ACIDEMIA AND HOMOCYSTINURIA, cblF TYPE; METHYLMALONIC ACIDURIA DUE TO VITAMIN B12-RELEASE DEFECT; VITAMIN B12 LYSOSOMAL RELEASE DEFECT; VITAMIN B12 STORAGE DISEASE; COBALAMIN F DISEASE; COBALAMIN, DEFECT IN LYSOSOMAL RELEASE OF. Identifiers: Orphanet 79284, MedGen C1848578, MONDO:0010183, OMIM 277380.

gnomAD v4.1: 1 of 1,613,726 alleles (0.000062%); highest among the groups gnomAD compares: South Asian, 0.0011%; no homozygotes.

Submission:

Labcorp Genetics (formerly Invitae), Labcorp
Classification: Uncertain significance for Methylmalonic aciduria and homocystinuria type cblF. Last evaluated: 2022-01-14. Review status: criteria provided, single submitter. Criteria: Invitae Variant Classification Sherloc (09022015). Collection method: clinical testing. Allele origin: germline.
Comment: This sequence change replaces glycine, which is neutral and non-polar, with cysteine, which is neutral and slightly polar, at codon 19 of the LMBRD1 protein (p.Gly19Cys). This variant is not present in population databases (gnomAD no frequency). This variant has not been reported in the literature in individuals affected with LMBRD1-related conditions. Algorithms developed to predict the effect of missense changes on protein structure and function are either unavailable or do not agree on the potential impact of this missense change (SIFT: "Deleterious"; PolyPhen-2: "Probably Damaging"; Align-GVGD: "Class C0"). In summary, the available evidence is currently insufficient to determine the role of this variant in disease. Therefore, it has been classified as a Variant of Uncertain Significance.